The following is an entry in ClinVar:

ClinVar aggregate classification (germline): Uncertain significance (1 of 4 stars; one submission).

Conditions:
Hereditary insensitivity to pain with anhidrosis (CIPA). Also called: INSENSITIVITY TO PAIN, CONGENITAL, WITH ANHIDROSIS; NTRK1 Congenital Insensitivity to Pain with Anhidrosis; NEUROPATHY, CONGENITAL SENSORY, WITH ANHIDROSIS; FAMILIAL DYSAUTONOMIA, TYPE II; hereditary sensory and autonomic neuropathy type 4; HSAN Type IV. Identifiers: Orphanet 642, MedGen C0020074, MONDO:0009746, OMIM 256800.

Submission:

Labcorp Genetics (formerly Invitae), Labcorp
Classification: Uncertain significance for Hereditary insensitivity to pain with anhidrosis. Last evaluated: 2022-06-20. Review status: criteria provided, single submitter. Criteria: Invitae Variant Classification Sherloc (09022015). Collection method: clinical testing. Allele origin: germline.
Comment: ClinVar contains an entry for this variant (Variation ID: 576966). In summary, the available evidence is currently insufficient to determine the role of this variant in disease. Therefore, it has been classified as a Variant of Uncertain Significance. Algorithms developed to predict the effect of sequence changes on RNA splicing suggest that this variant may create or strengthen a splice site. Advanced modeling of protein sequence and biophysical properties (such as structural, functional, and spatial information, amino acid conservation, physicochemical variation, residue mobility, and thermodynamic stability) performed at Invitae indicates that this missense variant is not expected to disrupt NTRK1 protein function. This variant has not been reported in the literature in individuals affected with NTRK1-related conditions. This variant is not present in population databases (gnomAD no frequency). This sequence change replaces lysine, which is basic and polar, with arginine, which is basic and polar, at codon 603 of the NTRK1 protein (p.Lys603Arg).

NM_002529.4(NTRK1):c.1826A>G (p.Lys609Arg)

Gene: NTRK1 (neurotrophic receptor tyrosine kinase 1; plus strand). Cytogenetic location: 1q23.1.
Variant type: single nucleotide variant.
Coding change: c.1826A>G on transcript NM_002529.4 (MANE Select); coding-DNA position 1826, A replaced by G.
Protein change: p.Lys609Arg; replaces lysine 609 with arginine.
Molecular consequence: missense variant.
Genome position (GRCh38, 1-based): chr1:156,879,142, A>G. VCF-style: chr1-156879142-A-G. GRCh37 (hg19) VCF-style: chr1-156848934-A-G.
Other names: c.1718A>G, p.Lys573Arg (NM_001007792.1); c.1808A>G, p.Lys603Arg (NM_001012331.2); short protein forms K573R, K609R, K603R.
Identifiers: ClinVar variation 576966 (VCV000576966.8), dbSNP rs1558108020, ClinGen allele CA342939441.
Genomic context (GRCh38, chr1:156,879,142, plus strand): 5'-TATCCTCCCAGCCTATCCCCTCTCCTTTTCTTGTTCACAGATCCCATGGACCTGATGCCA[A>G]GCTGCTGGCTGGTGGGGAGGATGTGGCTCCAGGCCCCCTGGGTCTGGGGCAGCTGCTGGC-3'
Protein context (NP_002520.2, residues 599-619): RFLRSHGPDA[Lys609Arg]LLAGGEDVAP